The following is an entry in ClinVar:

NM_006885.4(ZFHX3):c.709C>T (p.Arg237Ter)

Gene: ZFHX3 (zinc finger homeobox 3; minus strand). Cytogenetic location: 16q22.3.
Variant type: single nucleotide variant.
Coding change: c.709C>T on transcript NM_006885.4 (MANE Select); coding-DNA position 709, C replaced by T.
Protein change: p.Arg237Ter; replaces arginine 237 with a stop codon.
Molecular consequence: nonsense. On other transcripts: intron variant (1).
Genome position (GRCh38, 1-based): chr16:72,959,437, G>A on the plus strand (C>T on the coding strand, the complement: ZFHX3 is on the minus strand). VCF-style: chr16-72959437-G-A. GRCh37 (hg19) VCF-style: chr16-72993336-G-A.
Other names: c.709C>T, p.Arg237Ter (NM_001386735.1); c.-23-8472C>T (NM_001164766.2); short protein forms R237*.
Identifiers: ClinVar variation 4082882 (VCV004082882.1).

ClinVar aggregate classification (germline): Pathogenic (1 of 4 stars; one submission).

Submission:

GeneDx
Classification: Pathogenic. Last evaluated: 2025-03-05. Review status: criteria provided, single submitter. Criteria: GeneDx Variant Classification Process June 2021. Collection method: clinical testing. Allele origin: germline. Affected: yes.
Comment: Nonsense variant predicted to result in protein truncation or nonsense mediated decay in a gene for which loss of function is a known mechanism of disease; Not observed at significant frequency in large population cohorts (gnomAD); Has not been previously published as pathogenic or benign to our knowledge